The following is an entry in ClinVar:

NC_000006.11:g.(?_129612749)_(129622027_?)dup

Gene: LAMA2 (laminin subunit alpha 2; plus strand). Cytogenetic location: 6q22.33.
Variant type: Duplication.
Identifiers: ClinVar variation 1066736 (VCV001066736.5).

ClinVar aggregate classification (germline): Likely pathogenic (1 of 4 stars; one submission).

Conditions:
LAMA2-related muscular dystrophy (LAMA2-RD). Also called: Laminin alpha 2-related dystrophy. Identifiers: MedGen C5679788, MONDO:0100228.

Submission:

Labcorp Genetics (formerly Invitae), Labcorp
Classification: Likely pathogenic for LAMA2-related muscular dystrophy. Last evaluated: 2020-01-14. Review status: criteria provided, single submitter. Criteria: Invitae Variant Classification Sherloc (09022015). Collection method: clinical testing. Allele origin: germline.
Comment: This variant results in a copy number gain of the genomic region encompassing exons 20-22 of the LAMA2 gene. While the exact position of this variant cannot be determined from this data, sub-genic copy number gains are generally in tandem (PMID: 25640679) and may result in an absent or disrupted protein product. This variant has not been reported in the literature in individuals with LAMA2-related conditions. Loss-of-function variants in LAMA2 are known to be pathogenic (PMID: 18700894). In summary, the currently available evidence indicates that the variant is pathogenic, but additional data are needed to prove that conclusively. Therefore, this variant has been classified as Likely Pathogenic.

Literature cited by the submitters: PubMed 25640679; PubMed 18700894.